The following is an entry in ClinVar:

NM_016239.4(MYO15A):c.6657G>C (p.Lys2219Asn)

Gene: MYO15A (myosin XVA; plus strand). Cytogenetic location: 17p11.2.
Variant type: single nucleotide variant.
Coding change: c.6657G>C on transcript NM_016239.4 (MANE Select); coding-DNA position 6657, G replaced by C.
Protein change: p.Lys2219Asn; replaces lysine 2219 with asparagine.
Molecular consequence: missense variant.
Genome position (GRCh38, 1-based): chr17:18,148,176, G>C. VCF-style: chr17-18148176-G-C. GRCh37 (hg19) VCF-style: chr17-18051490-G-C.
Other names: short protein forms K2219N.
Identifiers: ClinVar variation 2056920 (VCV002056920.4), dbSNP rs727504708, ClinGen allele CA398610910.

ClinVar aggregate classification (germline): Uncertain significance (1 of 4 stars; one submission).

Submission:

Labcorp Genetics (formerly Invitae), Labcorp
Classification: Uncertain significance. Last evaluated: 2022-05-25. Review status: criteria provided, single submitter. Criteria: Invitae Variant Classification Sherloc (09022015). Collection method: clinical testing. Allele origin: germline.
Comment: In summary, the available evidence is currently insufficient to determine the role of this variant in disease. Therefore, it has been classified as a Variant of Uncertain Significance. Advanced modeling of protein sequence and biophysical properties (such as structural, functional, and spatial information, amino acid conservation, physicochemical variation, residue mobility, and thermodynamic stability) performed at Invitae indicates that this missense variant is not expected to disrupt MYO15A protein function. This variant has not been reported in the literature in individuals affected with MYO15A-related conditions. This variant is not present in population databases (gnomAD no frequency). This sequence change replaces lysine, which is basic and polar, with asparagine, which is neutral and polar, at codon 2219 of the MYO15A protein (p.Lys2219Asn).